The following is an entry in ClinVar:

ClinVar aggregate classification (germline): Conflicting classifications of pathogenicity. Review status: criteria provided, conflicting classifications (1 of 4 stars). 4 submissions from 4 submitters: Uncertain significance (3); Likely benign (1). Last evaluated 2026-04-01.

Conditions:
Inborn genetic diseases. Identifiers: MedGen C0950123, MeSH D030342.

Allele frequency attached by ClinVar (database versions not stated): TOPMed 0.00040; gnomAD exomes 0.00042; gnomAD 0.00044; ExAC 0.00061; ESP Exome Variant Server 0.00062.
gnomAD v4.1: 671 of 1,614,174 alleles (0.042%); highest among the groups gnomAD compares: Non-Finnish European, 0.054%; 4 homozygotes.

Submissions (4):

CeGaT Center for Human Genetics Tuebingen
Classification: Likely benign. Last evaluated: 2026-04-01. Review status: criteria provided, single submitter. Criteria: CeGaT Center For Human Genetics Tuebingen Variant Classification Criteria Version 2. Collection method: clinical testing. Allele origin: germline. Affected: yes. Observed: 4 variant alleles.
Comment: HERC2: BS2

Women's Health and Genetics/Laboratory Corporation of America, LabCorp
Classification: Uncertain significance. Last evaluated: 2025-12-04. Review status: criteria provided, single submitter. Criteria: LabCorp Variant Classification Summary - May 2015. Collection method: clinical testing. Allele origin: germline.
Comment: Variant summary: HERC2 c.10460C>T (p.Ser3487Leu) results in a non-conservative amino acid change in the encoded protein sequence. Algorithms developed to predict the effect of missense changes on protein structure and function are either unavailable or do not agree on the potential impact of this missense change. The variant allele was found at a frequency of 0.0005 in 251436 control chromosomes. This frequency is not significantly higher than estimated for disease-causing variants in HERC2, allowing no conclusion about variant significance. To our knowledge, no occurrence of c.10460C>T in individuals affected with HERC2-related conditions and no experimental evidence demonstrating its impact on protein function have been reported. ClinVar contains an entry for this variant (Variation ID: 2326158). Based on the evidence outlined above, the variant was classified as uncertain significance.

GeneDx
Classification: Uncertain significance. Last evaluated: 2025-06-12. Review status: criteria provided, single submitter. Criteria: GeneDx Variant Classification Process June 2021. Collection method: clinical testing. Allele origin: germline. Affected: yes.
Comment: In silico analysis supports that this missense variant has a deleterious effect on protein structure/function; Has not been previously published as pathogenic or benign to our knowledge

Ambry Genetics
Classification: Uncertain significance for Inborn genetic diseases. Last evaluated: 2025-04-04. Review status: criteria provided, single submitter. Criteria: Ambry Variant Classification Scheme 2023. Collection method: clinical testing. Allele origin: germline.

NM_004667.6(HERC2):c.10460C>T (p.Ser3487Leu)

Gene: HERC2 (HECT and RLD domain containing E3 ubiquitin protein ligase 2; minus strand). Cytogenetic location: 15q13.1.
Variant type: single nucleotide variant.
Coding change: c.10460C>T on transcript NM_004667.6 (MANE Select); coding-DNA position 10460, C replaced by T.
Protein change: p.Ser3487Leu; replaces serine 3487 with leucine.
Molecular consequence: missense variant.
Genome position (GRCh38, 1-based): chr15:28,167,781, G>A on the plus strand (C>T on the coding strand, the complement: HERC2 is on the minus strand). VCF-style: chr15-28167781-G-A. GRCh37 (hg19) VCF-style: chr15-28412927-G-A.
Other names: c.10460C>T (NM_004667.5); short protein forms S3487L.
Identifiers: ClinVar variation 2326158 (VCV002326158.13), dbSNP rs146303265, ClinGen allele CA7440829.